The following is an entry in ClinVar:

NM_001032283.3(TMPO):c.394G>C (p.Gly132Arg)

Gene: TMPO (thymopoietin; plus strand). Cytogenetic location: 12q23.1.
Variant type: single nucleotide variant.
Coding change: c.394G>C on transcript NM_001032283.3 (MANE Select); coding-DNA position 394, G replaced by C.
Protein change: p.Gly132Arg; replaces glycine 132 with arginine.
Molecular consequence: missense variant.
Genome position (GRCh38, 1-based): chr12:98,528,000, G>C. VCF-style: chr12-98528000-G-C. GRCh37 (hg19) VCF-style: chr12-98921778-G-C.
Other names: c.394G>C, p.Gly132Arg (NM_001032284.3, NM_001307975.2, NM_003276.2); short protein forms G132R.
Identifiers: ClinVar variation 1736423 (VCV001736423.2), dbSNP rs2548499014, ClinGen allele CA386150941.

ClinVar aggregate classification (germline): Uncertain significance (1 of 4 stars; one submission).

Submission:

Ambry Genetics
Classification: Uncertain significance. Last evaluated: 2022-06-06. Review status: criteria provided, single submitter. Criteria: Ambry Variant Classification Scheme 2023. Collection method: clinical testing. Allele origin: germline.
Comment: The p.G132R variant (also known as c.394G>C), located in coding exon 2 of the TMPO gene, results from a G to C substitution at nucleotide position 394. The glycine at codon 132 is replaced by arginine, an amino acid with dissimilar properties. This amino acid position is conserved. In addition, this alteration is predicted to be deleterious by in silico analysis. Since supporting evidence is limited at this time, the clinical significance of this alteration remains unclear.